The following is an entry in ClinVar:

ClinVar aggregate classification (germline): Conflicting classifications of pathogenicity. Review status: criteria provided, conflicting classifications (1 of 4 stars). 6 submissions from 6 submitters: Uncertain significance (1); Likely benign (5). Last evaluated 2026-01-20.

Conditions:
Nemaline myopathy 2 (NEM2). Also called: Nemaline myopathy 2, autosomal recessive. Identifiers: MedGen C1850569, MONDO:0009725, OMIM 256030.

Allele frequency attached by ClinVar (database versions not stated): 1000 Genomes Project 0.00020; TOPMed 0.00027; gnomAD 0.00028 and 0.00029; 1000 Genomes Project 30x 0.00031; ExAC 0.00043; gnomAD exomes 0.00048 and 0.00052; ESP Exome Variant Server 0.00066.
gnomAD v4.1: 781 of 1,613,740 alleles (0.048%); highest among the groups gnomAD compares: Non-Finnish European, 0.059%; 2 homozygotes.

Submissions (6):

Labcorp Genetics (formerly Invitae), Labcorp
Classification: Likely benign for Nemaline myopathy 2. Last evaluated: 2026-01-20. Review status: criteria provided, single submitter. Criteria: Invitae Variant Classification Sherloc (09022015). Collection method: clinical testing. Allele origin: germline.

CeGaT Center for Human Genetics Tuebingen
Classification: Likely benign. Last evaluated: 2024-12-01. Review status: criteria provided, single submitter. Criteria: CeGaT Center For Human Genetics Tuebingen Variant Classification Criteria Version 2. Collection method: clinical testing. Allele origin: germline. Affected: yes. Observed: 4 variant alleles.
Comment: NEB: BP4, BP7

Blueprint Genetics
Classification: Likely benign. Last evaluated: 2024-10-02. Review status: criteria provided, single submitter. Criteria: ACMG Guidelines, 2015. Collection method: clinical testing. Allele origin: germline.

GeneDx
Classification: Likely benign. Last evaluated: 2020-08-26. Review status: criteria provided, single submitter. Criteria: GeneDx Variant Classification Process June 2021. Collection method: clinical testing. Allele origin: germline. Affected: yes.

Illumina Laboratory Services, Illumina
Classification: Uncertain significance for Nemaline myopathy 2. Last evaluated: 2018-01-13. Review status: criteria provided, single submitter. Criteria: ICSL Variant Classification Criteria 13 December 2019. Collection method: clinical testing. Allele origin: germline.

Genetic Services Laboratory, University of Chicago
Classification: Likely benign. Last evaluated: 2017-02-02. Review status: criteria provided, single submitter. Criteria: ACMG Guidelines, 2015. Collection method: clinical testing. Allele origin: germline. Affected: no.

NM_001164508.2(NEB):c.22647G>A (p.Glu7549=)

Genes: NEB (nebulin; minus strand), RIF1 (replication timing regulatory factor 1; plus strand). Cytogenetic location: 2q23.3.
Variant type: single nucleotide variant.
Coding change: c.22647G>A on transcript NM_001164508.2 (MANE Select); coding-DNA position 22647, G replaced by A.
Protein change: p.Glu7549=; no amino-acid change (glutamic acid 7549 retained).
Molecular consequence: synonymous variant.
Genome position (GRCh38, 1-based): chr2:151,519,013, C>T on the plus strand (G>A on the coding strand, the complement: NEB is on the minus strand). VCF-style: chr2-151519013-C-T. GRCh37 (hg19) VCF-style: chr2-152375527-C-T.
Other names: c.22647G>A, p.Glu7549= (NM_001164507.2); c.22752G>A, p.Glu7584= (NM_001271208.2); c.17544G>A, p.Glu5848= (NM_004543.5).
Identifiers: ClinVar variation 435962 (VCV000435962.46), dbSNP rs201688876, ClinGen allele CA1906579.
Genomic context (GRCh38, chr2:151,519,013, plus strand): 5'-GACTGAGCTTACAGAACTGGCAAGTTGGCTTGTATTCAGGACATGATTCATGATCAGAGA[C>T]TCCTTCATGTCAGTCACGGGTTTGTGAAGTTTCTTCAGGTCAGCCTTGTATTTAACCTGT-3'
Protein context (NP_001157980.2, residues 7539-7559): KLHKPVTDMK[Glu7549=]SLIMNHVLNT